The following is an entry in ClinVar:

NM_001382.4(DPAGT1):c.26dup (p.Met9fs)

Genes: DPAGT1 (dolichyl-phosphate N-acetylglucosaminephosphotransferase 1; minus strand), LOC126861360 (BRD4-independent group 4 enhancer GRCh37_chr11:118972216-118973415; plus strand). Cytogenetic location: 11q23.3.
Variant type: Duplication.
Coding change: c.26dup on transcript NM_001382.4 (MANE Select); coding-DNA position 26, one base duplicated (T; older notation c.26dupT).
Protein change: p.Met9fs; shifts the reading frame from methionine 9.
Molecular consequence: frameshift variant.
Genome position (GRCh38, 1-based): chr11:119,101,630, A duplicated on the plus strand (T on the coding strand, the reverse complement: DPAGT1 is on the minus strand). VCF-style (leftmost placement, unchanged base first): chr11-119101629-C-CA. GRCh37 (hg19) VCF-style: chr11-118972339-C-CA.
Other names: c.26dupT (NM_001382.3); short protein forms M9fs.
Identifiers: ClinVar variation 567578 (VCV000567578.12), dbSNP rs768656482, ClinGen allele CA6314738.

ClinVar aggregate classification (germline): Pathogenic/Likely pathogenic. Review status: criteria provided, multiple submitters, no conflicts (2 of 4 stars). 3 submissions from 3 submitters: Pathogenic (1); Likely pathogenic (1). 1 of the submissions does not count toward it. Last evaluated 2026-01-26.

Conditions:
DPAGT1-congenital disorder of glycosylation. Also called: DPAGT1-CDG; CDG Ij; CONGENITAL DISORDER OF GLYCOSYLATION, TYPE Ij. Identifiers: Orphanet 86309, MedGen C2931004, MONDO:0011964, OMIM 608093.
Congenital myasthenic syndrome 13 (CMS13). Also called: Myasthenic syndrome, congenital, 13, with tubular aggregates; Myasthenic syndrome, congenital, with tubular aggregates 2. Identifiers: Orphanet 353327, Orphanet 590, MedGen C3553645, MONDO:0013883, OMIM 614750.
DPAGT1-related disorders.
Congenital disorder of glycosylation (CDG). Also called: Carbohydrate-deficient glycoprotein syndrome; Congenital disorders of glycosylation. Identifiers: Orphanet 137, MedGen C0282577, MONDO:0015286.

Allele frequency attached by ClinVar (database versions not stated): gnomAD 0.00001 and 0.00002; ExAC 0.00003; gnomAD exomes 0.00003 and 0.00005; TOPMed 0.00004.

Submissions (3):

Labcorp Genetics (formerly Invitae), Labcorp
Classification: Pathogenic for Congenital myasthenic syndrome 13; DPAGT1-congenital disorder of glycosylation. Last evaluated: 2026-01-26. Review status: criteria provided, single submitter. Criteria: Invitae Variant Classification Sherloc (09022015). Collection method: clinical testing. Allele origin: germline.
Comment: This sequence change creates a premature translational stop signal (p.Met9Ilefs*80) in the DPAGT1 gene. It is expected to result in an absent or disrupted protein product. Loss-of-function variants in DPAGT1 are known to be pathogenic (PMID: 22742743). This variant is present in population databases (rs768656482, gnomAD 0.006%). This premature translational stop signal has been observed in individual(s) with DPAGT1-related conditions (PMID: 30117111). ClinVar contains an entry for this variant (Variation ID: 567578). For these reasons, this variant has been classified as Pathogenic.

Blueprint Genetics
Classification: Likely pathogenic for DPAGT1-related disorders. Last evaluated: 2024-09-13. Review status: criteria provided, single submitter. Criteria: ACMG Guidelines, 2015. Collection method: clinical testing. Allele origin: germline. Affected: yes. Observed: 1 variant allele.

University of Washington Center for Mendelian Genomics, University of Washington
Classification: Likely pathogenic for congenital disorder of glycosylation. Review status: no assertion criteria provided. Collection method: research. Allele origin: unknown. Affected: yes. Not counted in ClinVar's aggregate classification.

Literature cited by the submitters: PubMed 22742743 (cited by Labcorp Genetics (formerly Invitae), Labcorp); PubMed 30117111 (cited by Labcorp Genetics (formerly Invitae), Labcorp and University of Washington Center for Mendelian Genomics, University of Washington).